The following is an entry in ClinVar:

NM_001035.3(RYR2):c.2631T>A (p.His877Gln)

Gene: RYR2 (ryanodine receptor 2; plus strand). Cytogenetic location: 1q43.
Variant type: single nucleotide variant.
Coding change: c.2631T>A on transcript NM_001035.3 (MANE Select); coding-DNA position 2631, T replaced by A.
Protein change: p.His877Gln; replaces histidine 877 with glutamine.
Molecular consequence: missense variant.
Genome position (GRCh38, 1-based): chr1:237,506,727, T>A. VCF-style: chr1-237506727-T-A. GRCh37 (hg19) VCF-style: chr1-237670027-T-A.
Other names: c.2631T>A (NM_001035.2); short protein forms H877Q.
Identifiers: ClinVar variation 920499 (VCV000920499.16), dbSNP rs1050687513, ClinGen allele CA39782180.

ClinVar aggregate classification (germline): Uncertain significance. Review status: criteria provided, multiple submitters, no conflicts (2 of 4 stars). 4 submissions from 4 submitters: Uncertain significance (4). Last evaluated 2025-01-11.

Conditions:
Catecholaminergic polymorphic ventricular tachycardia (CVPT). Also called: Catecholamine-induced polymorphic ventricular tachycardia. Identifiers: Orphanet 3286, MedGen C5574922, MONDO:0017990.
Catecholaminergic polymorphic ventricular tachycardia 1. Also called: VENTRICULAR TACHYCARDIA, CATECHOLAMINERGIC POLYMORPHIC, 1, WITH OR WITHOUT ATRIAL DYSFUNCTION AND/OR DILATED CARDIOMYOPATHY; RYR2-Related Catecholaminergic Polymorphic Ventricular Tachycardia; VENTRICULAR TACHYCARDIA, STRESS-INDUCED POLYMORPHIC 1. Identifiers: Orphanet 3286, MedGen C1631597, MONDO:0011484, OMIM 604772.
Cardiovascular phenotype. Identifiers: MedGen CN230736.
Cardiomyopathy (CMYO). Also called: Cardiomyopathies. Identifiers: Orphanet 167848, MedGen C0878544, MONDO:0004994, HP:0001638. Inheritance: Various modes of inheritance.

Allele frequency attached by ClinVar (database versions not stated): gnomAD exomes below 0.00001; TOPMed 0.00005.
gnomAD v4.1: 2 of 1,612,970 alleles (0.00012%); highest among the groups gnomAD compares: Admixed American, 0.0017%; no homozygotes.

Submissions (4):

Labcorp Genetics (formerly Invitae), Labcorp
Classification: Uncertain significance for Catecholaminergic polymorphic ventricular tachycardia 1. Last evaluated: 2025-01-11. Review status: criteria provided, single submitter. Criteria: Invitae Variant Classification Sherloc (09022015). Collection method: clinical testing. Allele origin: germline.
Comment: This sequence change replaces histidine, which is basic and polar, with glutamine, which is neutral and polar, at codon 877 of the RYR2 protein (p.His877Gln). This variant is not present in population databases (gnomAD no frequency). This variant has not been reported in the literature in individuals affected with RYR2-related conditions. ClinVar contains an entry for this variant (Variation ID: 920499). Invitae Evidence Modeling of protein sequence and biophysical properties (such as structural, functional, and spatial information, amino acid conservation, physicochemical variation, residue mobility, and thermodynamic stability) indicates that this missense variant is not expected to disrupt RYR2 protein function with a negative predictive value of 95%. In summary, the available evidence is currently insufficient to determine the role of this variant in disease. Therefore, it has been classified as a Variant of Uncertain Significance.

All of Us Research Program, National Institutes of Health
Classification: Uncertain significance for Catecholaminergic polymorphic ventricular tachycardia. Last evaluated: 2024-09-23. Review status: criteria provided, single submitter. Criteria: ACMG Guidelines, 2015. Collection method: clinical testing. Allele origin: germline. Inheritance: Autosomal dominant inheritance. Observed: 7 variant alleles, 7 heterozygotes.
Comment: This missense variant replaces histidine with glutamine at codon 877 of the RYR2 protein. Computational prediction is inconclusive regarding the impact of this variant on protein structure and function (internally defined REVEL score threshold 0.5 < inconclusive < 0.7, PMID: 27666373). Splice site prediction tools suggest that this variant may not impact RNA splicing. To our knowledge, functional studies have not been performed for this variant. This variant has not been reported in individuals affected with cardiovascular disorders in the literature. This variant has not been identified in the general population by the Genome Aggregation Database (gnomAD). The available evidence is insufficient to determine the role of this variant in disease conclusively. Therefore, this variant is classified as a Variant of Uncertain Significance.

This study involves interpretation of variants in research participants for the purpose of population health screening. Participant phenotype was not available at the time of variant classification. Additional details can be found in publication PMID: 35346344, PMCID: PMC8962531

Ambry Genetics
Classification: Uncertain significance for Cardiovascular phenotype. Last evaluated: 2024-08-14. Review status: criteria provided, single submitter. Criteria: Ambry Variant Classification Scheme 2023. Collection method: clinical testing. Allele origin: germline.
Comment: The p.H877Q variant (also known as c.2631T>A), located in coding exon 23 of the RYR2 gene, results from a T to A substitution at nucleotide position 2631. The histidine at codon 877 is replaced by glutamine, an amino acid with highly similar properties. This amino acid position is highly conserved in available vertebrate species. In addition, the in silico prediction for this alteration is inconclusive. Based on the available evidence, the clinical significance of this variant remains unclear.

Color Diagnostics, LLC DBA Color Health
Classification: Uncertain significance for Cardiomyopathy. Last evaluated: 2024-03-07. Review status: criteria provided, single submitter. Criteria: ACMG Guidelines, 2015. Collection method: clinical testing. Allele origin: germline.
Comment: This missense variant replaces histidine with glutamine at codon 877 of the RYR2 protein. Computational prediction is inconclusive regarding the impact of this variant on protein structure and function (internally defined REVEL score threshold 0.5 < inconclusive < 0.7, PMID: 27666373). Splice site prediction tools suggest that this variant may not impact RNA splicing. To our knowledge, functional studies have not been performed for this variant. This variant has not been reported in individuals affected with cardiovascular disorders in the literature. This variant has not been identified in the general population by the Genome Aggregation Database (gnomAD). The available evidence is insufficient to determine the role of this variant in disease conclusively. Therefore, this variant is classified as a Variant of Uncertain Significance.